The following is an entry in ClinVar:

ClinVar aggregate classification (germline): Uncertain significance. Review status: criteria provided, multiple submitters, no conflicts (2 of 4 stars). 2 submissions from 2 submitters: Uncertain significance (2). Last evaluated 2024-09-30.

Conditions:
Inborn genetic diseases. Identifiers: MedGen C0950123, MeSH D030342.

Allele frequency attached by ClinVar (database versions not stated): ExAC 0.00002.
gnomAD v4.1: 27 of 1,613,656 alleles (0.0017%); highest among the groups gnomAD compares: African/African-American, 0.027%; no homozygotes.

Submissions (2):

Ambry Genetics
Classification: Uncertain significance for Inborn genetic diseases. Last evaluated: 2024-09-30. Review status: criteria provided, single submitter. Criteria: Ambry Variant Classification Scheme 2023. Collection method: clinical testing. Allele origin: germline.

Labcorp Genetics (formerly Invitae), Labcorp
Classification: Uncertain significance. Last evaluated: 2021-12-29. Review status: criteria provided, single submitter. Criteria: Invitae Variant Classification Sherloc (09022015). Collection method: clinical testing. Allele origin: germline.
Comment: This sequence change replaces serine, which is neutral and polar, with arginine, which is basic and polar, at codon 1466 of the MCM3AP protein (p.Ser1466Arg). This variant is present in population databases (rs773755111, gnomAD 0.03%). This variant has not been reported in the literature in individuals affected with MCM3AP-related conditions. Algorithms developed to predict the effect of missense changes on protein structure and function (SIFT, PolyPhen-2, Align-GVGD) all suggest that this variant is likely to be tolerated. In summary, the available evidence is currently insufficient to determine the role of this variant in disease. Therefore, it has been classified as a Variant of Uncertain Significance.

NM_003906.5(MCM3AP):c.4398T>G (p.Ser1466Arg)

Genes: MCM3AP (minichromosome maintenance complex component 3 associated protein; minus strand), MCM3AP-AS1 (MCM3AP antisense RNA 1; plus strand). Cytogenetic location: 21q22.3.
Variant type: single nucleotide variant.
Coding change: c.4398T>G on transcript NM_003906.5 (MANE Select); coding-DNA position 4398, T replaced by G.
Protein change: p.Ser1466Arg; replaces serine 1466 with arginine.
Molecular consequence: missense variant.
Genome position (GRCh38, 1-based): chr21:46,246,779, A>C on the plus strand (T>G on the coding strand, the complement: MCM3AP is on the minus strand). VCF-style: chr21-46246779-A-C. GRCh37 (hg19) VCF-style: chr21-47666693-A-C.
Other names: c.4398T>G (NM_003906.3); short protein forms S1466R.
Identifiers: ClinVar variation 2068561 (VCV002068561.2), dbSNP rs773755111, ClinGen allele CA10076131.